The following is an entry in ClinVar:

NM_001127511.3(APC):c.-138C>G

Gene: APC (APC regulator of Wnt signaling pathway; plus strand). Cytogenetic location: 5q22.2.
Variant type: single nucleotide variant.
Coding change: c.-138C>G on transcript NM_001127511.3; 138 bases upstream of the start codon, C replaced by G.
Molecular consequence: 5 prime UTR variant. On other transcripts: non-coding transcript variant (2).
Genome position (GRCh38, 1-based): chr5:112,707,580, C>G. VCF-style: chr5-112707580-C-G. GRCh37 (hg19) VCF-style: chr5-112043277-C-G.
Other names: c.-321C>G (NM_001354895.2, NM_001407447.1, NM_001407452.1 and 3 more transcripts); c.-138C>G (NM_001354897.2, NM_001354902.2, NM_001407446.1); c.-88C>G (NM_001407448.1, NM_001407450.1, NM_001407457.1 and 1 more transcripts); c.-112C>G (NM_001407453.1); c.-1356C>G (NM_001407470.1, NM_001407472.1).
Identifiers: ClinVar variation 1009465 (VCV001009465.7), dbSNP rs1259973377, ClinGen allele CA802057097.

ClinVar aggregate classification (germline): Uncertain significance (1 of 4 stars; one submission).

Conditions:
Familial adenomatous polyposis 1 (FAP1). Also called: FAMILIAL ADENOMATOUS POLYPOSIS 1, ATTENUATED; POLYPOSIS, ADENOMATOUS INTESTINAL. Identifiers: MedGen C2713442, MONDO:0021056, OMIM 175100. Disease mechanism: loss of function.

Allele frequency attached by ClinVar (database versions not stated): gnomAD 0.00001; TOPMed 0.00001.

Submission:

Labcorp Genetics (formerly Invitae), Labcorp
Classification: Uncertain significance for Familial adenomatous polyposis 1. Last evaluated: 2025-12-15. Review status: criteria provided, single submitter. Criteria: Invitae Variant Classification Sherloc (09022015). Collection method: clinical testing. Allele origin: germline.
Comment: This variant occurs in a non-coding region of the APC gene. It does not change the encoded amino acid sequence of the APC protein. This variant is not present in population databases (gnomAD no frequency). This variant has not been reported in the literature in individuals affected with APC-related conditions. Experimental studies and prediction algorithms are not available or were not evaluated, and the functional significance of this variant is currently unknown. In summary, the available evidence is currently insufficient to determine the role of this variant in disease. Therefore, it has been classified as a Variant of Uncertain Significance.